The following is an entry in ClinVar:

NM_000094.4(COL7A1):c.32del (p.Cys11fs)

Gene: COL7A1 (collagen type VII alpha 1 chain; minus strand). Cytogenetic location: 3p21.31.
Variant type: Deletion.
Coding change: c.32del on transcript NM_000094.4 (MANE Select); coding-DNA position 32, one base deleted (G; older notation c.32delG).
Protein change: p.Cys11fs; shifts the reading frame from cysteine 11.
Molecular consequence: frameshift variant.
Genome position (GRCh38, 1-based): chr3:48,595,128, C deleted on the plus strand (G on the coding strand, the reverse complement: COL7A1 is on the minus strand). VCF-style (leftmost placement, unchanged base first): chr3-48595127-GC-G. GRCh37 (hg19) VCF-style: chr3-48632560-GC-G.
Other names: short protein forms C11fs.
Identifiers: ClinVar variation 1452301 (VCV001452301.6), dbSNP rs2107812280, ClinGen allele CA2573137056.
Genomic context (GRCh38, chr3:48,595,127, plus strand): 5'-GTGCCCACCTCTCTCCCTGTGCTGGGCTCGCACTCGGGGCGCCTCTGCCAGGATCCCGGC[GC>G]AGAGCGCGGCCACCAGAAGCCGCAGCGTCATCCTAGGCAGTAAAAGCCGTCAGCTAGGAC-3'

ClinVar aggregate classification (germline): Pathogenic (1 of 4 stars; one submission).

Submission:

Labcorp Genetics (formerly Invitae), Labcorp
Classification: Pathogenic. Last evaluated: 2021-11-26. Review status: criteria provided, single submitter. Criteria: Invitae Variant Classification Sherloc (09022015). Collection method: clinical testing. Allele origin: germline.
Comment: For these reasons, this variant has been classified as Pathogenic. This variant has not been reported in the literature in individuals affected with COL7A1-related conditions. This variant is not present in population databases (gnomAD no frequency). This sequence change creates a premature translational stop signal (p.Cys11Serfs*19) in the COL7A1 gene. It is expected to result in an absent or disrupted protein product. Loss-of-function variants in COL7A1 are known to be pathogenic (PMID: 16971478).

Literature cited by the submitters: PubMed 16971478.